The following is an entry in ClinVar:

NM_003024.3(ITSN1):c.2215A>T (p.Asn739Tyr)

Gene: ITSN1 (intersectin 1; plus strand). Cytogenetic location: 21q22.11.
Variant type: single nucleotide variant.
Coding change: c.2215A>T on transcript NM_003024.3 (MANE Select); coding-DNA position 2215, A replaced by T.
Protein change: p.Asn739Tyr; replaces asparagine 739 with tyrosine.
Molecular consequence: missense variant.
Genome position (GRCh38, 1-based): chr21:33,799,840, A>T. VCF-style: chr21-33799840-A-T. GRCh37 (hg19) VCF-style: chr21-35172144-A-T.
Other names: c.2215A>T, p.Asn739Tyr (NM_001001132.2, NM_001331008.2, NM_001331009.2 and 2 more transcripts); c.2104A>T, p.Asn702Tyr (NM_001331012.2); short protein forms N702Y, N739Y.
Identifiers: ClinVar variation 4976006 (VCV004976006.1).
Genomic context (GRCh38, chr21:33,799,840, plus strand): 5'-TGTCCCCCCCACCTTTTTTTGTAAACAGAAAAAGGTCCACTTACCATTTCTGCACAGGAA[A>T]ATGTAAAAGTGGTGTATTACCGGGCACTGTACCCCTTTGAATCCAGAAGCCATGATGAAA-3'
Protein context (NP_003015.2, residues 729-749): KGPLTISAQE[Asn739Tyr]VKVVYYRALY

ClinVar aggregate classification (germline): Uncertain significance (1 of 4 stars; one submission).

Submission:

GeneDx
Classification: Uncertain significance. Last evaluated: 2026-01-31. Review status: criteria provided, single submitter. Criteria: GeneDx Variant Classification Process June 2021. Collection method: clinical testing. Allele origin: germline.
Comment: Not observed at significant frequency in large population cohorts (gnomAD); In silico analysis suggests that this missense variant does not alter protein structure/function; Has not been previously published as pathogenic or benign to our knowledge